The following is an entry in ClinVar:

ClinVar aggregate classification (germline): Uncertain significance (1 of 4 stars; one submission).

Conditions:
Hyperammonemia, type III (NAGSD). Also called: Hyperammonemia due to N-acetylglutamate synthase deficiency. Identifiers: Orphanet 927, MedGen C0268543, MONDO:0009377, OMIM 237310.

Allele frequency attached by ClinVar (database versions not stated): gnomAD exomes below 0.00001; TOPMed 0.00001.
gnomAD v4.1: 4 of 1,614,264 alleles (0.00025%); highest among the groups gnomAD compares: Admixed American, 0.0067%; no homozygotes.

Submission:

Labcorp Genetics (formerly Invitae), Labcorp
Classification: Uncertain significance for Hyperammonemia, type III. Last evaluated: 2022-03-23. Review status: criteria provided, single submitter. Criteria: Invitae Variant Classification Sherloc (09022015). Collection method: clinical testing. Allele origin: germline.
Comment: This sequence change replaces isoleucine, which is neutral and non-polar, with methionine, which is neutral and non-polar, at codon 508 of the NAGS protein (p.Ile508Met). This variant is not present in population databases (gnomAD no frequency). This variant has not been reported in the literature in individuals affected with NAGS-related conditions. Algorithms developed to predict the effect of missense changes on protein structure and function are either unavailable or do not agree on the potential impact of this missense change (SIFT: "Deleterious"; PolyPhen-2: "Probably Damaging"; Align-GVGD: "Class C0"). In summary, the available evidence is currently insufficient to determine the role of this variant in disease. Therefore, it has been classified as a Variant of Uncertain Significance.

NM_153006.3(NAGS):c.1524C>G (p.Ile508Met)

Gene: NAGS (N-acetylglutamate synthase; plus strand). Cytogenetic location: 17q21.31.
Variant type: single nucleotide variant.
Coding change: c.1524C>G on transcript NM_153006.3 (MANE Select); coding-DNA position 1524, C replaced by G.
Protein change: p.Ile508Met; replaces isoleucine 508 with methionine.
Molecular consequence: missense variant.
Genome position (GRCh38, 1-based): chr17:44,008,520, C>G. VCF-style: chr17-44008520-C-G. GRCh37 (hg19) VCF-style: chr17-42085888-C-G.
Other names: short protein forms I508M.
Identifiers: ClinVar variation 2155077 (VCV002155077.1), dbSNP rs2049123173, ClinGen allele CA399728875.